The following is an entry in ClinVar:

ClinVar aggregate classification (germline): Uncertain significance (0 of 4 stars; one submission).

Conditions:
ZMYM2-related disorder. Also called: ZMYM2-related condition.

Allele frequency attached by ClinVar (database versions not stated): gnomAD exomes below 0.00001.
gnomAD v4.1: 4 of 1,608,584 alleles (0.00025%); highest among the groups gnomAD compares: South Asian, 0.0011%; no homozygotes.

Submission:

PreventionGenetics, part of Exact Sciences
Classification: Uncertain significance for ZMYM2-related condition. Last evaluated: 2024-08-27. Review status: no assertion criteria provided. Collection method: clinical testing. Allele origin: germline.
Comment: The ZMYM2 c.1928A>G variant is predicted to result in the amino acid substitution p.Lys643Arg. To our knowledge, this variant has not been reported in the literature. This variant is reported in 0.0034% of alleles in individuals of South Asian descent in gnomAD. At this time, the clinical significance of this variant is uncertain due to the absence of conclusive functional and genetic evidence.

NM_197968.4(ZMYM2):c.1928A>G (p.Lys643Arg)

Gene: ZMYM2 (zinc finger MYM-type containing 2; plus strand). Cytogenetic location: 13q12.11.
Variant type: single nucleotide variant.
Coding change: c.1928A>G on transcript NM_197968.4 (MANE Select); coding-DNA position 1928, A replaced by G.
Protein change: p.Lys643Arg; replaces lysine 643 with arginine.
Molecular consequence: missense variant. On other transcripts: non-coding transcript variant (1).
Genome position (GRCh38, 1-based): chr13:20,031,395, A>G. VCF-style: chr13-20031395-A-G. GRCh37 (hg19) VCF-style: chr13-20605535-A-G.
Other names: c.1928A>G, p.Lys643Arg (NM_001190964.4, NM_001190965.4, NM_001353157.2 and 5 more transcripts); c.1733A>G, p.Lys578Arg (NM_001353161.3); c.1667A>G, p.Lys556Arg (NM_001353163.2); short protein forms K556R, K578R, K643R.
Identifiers: ClinVar variation 2636180 (VCV002636180.2), dbSNP rs1212305981, ClinGen allele CA387673337.